The following is an entry in ClinVar:

NM_130849.4(SLC39A4):c.254dup (p.Val87fs)

Gene: SLC39A4 (solute carrier family 39 member 4; minus strand). Cytogenetic location: 8q24.3.
Variant type: Duplication.
Coding change: c.254dup on transcript NM_130849.4 (MANE Select); coding-DNA position 254, one base duplicated (G; older notation c.254dupG).
Protein change: p.Val87fs; shifts the reading frame from valine 87.
Molecular consequence: frameshift variant. On other transcripts: intron variant (1).
Genome position (GRCh38, 1-based): chr8:144,416,030, C duplicated on the plus strand (G on the coding strand, the reverse complement: SLC39A4 is on the minus strand); the first of 3 consecutive C bases (chr8:144,416,030-144,416,032); duplicating any one gives the same sequence. VCF-style (leftmost placement, unchanged base first): chr8-144416029-G-GC. GRCh37 (hg19) VCF-style: chr8-145641413-G-GC.
Other names: c.179dup, p.Val62fs (NM_017767.3); c.192+568dup (NM_001374839.1); short protein forms V87fs, V62fs.
Identifiers: ClinVar variation 1407218 (VCV001407218.6), dbSNP rs2130802793, ClinGen allele CA2573143006.

ClinVar aggregate classification (germline): Pathogenic (1 of 4 stars; one submission).

Submission:

Labcorp Genetics (formerly Invitae), Labcorp
Classification: Pathogenic. Last evaluated: 2021-10-14. Review status: criteria provided, single submitter. Criteria: Invitae Variant Classification Sherloc (09022015). Collection method: clinical testing. Allele origin: germline.
Comment: This sequence change creates a premature translational stop signal (p.Val87Glyfs*26) in the SLC39A4 gene. It is expected to result in an absent or disrupted protein product. Loss-of-function variants in SLC39A4 are known to be pathogenic (PMID: 12955721). This variant has not been reported in the literature in individuals affected with SLC39A4-related conditions. This variant is not present in population databases (ExAC no frequency). For these reasons, this variant has been classified as Pathogenic.

Literature cited by the submitters: PubMed 12955721.